The following is an entry in ClinVar:

NM_001029998.6(SLC10A7):c.994-346A>G

Gene: SLC10A7 (solute carrier family 10 member 7; minus strand). Cytogenetic location: 4q31.22.
Variant type: single nucleotide variant.
Coding change: c.994-346A>G on transcript NM_001029998.6 (MANE Select); 346 bases into the intron before coding-DNA position 994, A replaced by G.
Molecular consequence: intron variant. On other transcripts: missense variant (1).
Genome position (GRCh38, 1-based): chr4:146,256,866, T>C on the plus strand (A>G on the coding strand, the complement: SLC10A7 is on the minus strand). VCF-style: chr4-146256866-T-C. GRCh37 (hg19) VCF-style: chr4-147178018-T-C.
Other names: c.1064A>G, p.Lys355Arg (NM_001300842.3); c.955-346A>G (NM_001317816.2); short protein forms K355R.
Identifiers: ClinVar variation 2198697 (VCV002198697.28), dbSNP rs573036097, ClinGen allele CA3096641.

ClinVar aggregate classification (germline): Likely benign. Review status: criteria provided, multiple submitters, no conflicts (2 of 4 stars). 2 submissions from 2 submitters: Likely benign (2). Last evaluated 2026-03-01.

Allele frequency attached by ClinVar (database versions not stated): TOPMed 0.00023; gnomAD 0.00028; gnomAD exomes 0.00046; 1000 Genomes Project 30x 0.00094; 1000 Genomes Project 0.00120; ExAC 0.00305.
gnomAD v4.1: 704 of 1,536,246 alleles (0.046%); highest among the groups gnomAD compares: South Asian, 0.51%; 6 homozygotes.

Submissions (2):

CeGaT Center for Human Genetics Tuebingen
Classification: Likely benign. Last evaluated: 2026-03-01. Review status: criteria provided, single submitter. Criteria: CeGaT Center For Human Genetics Tuebingen Variant Classification Criteria Version 2. Collection method: clinical testing. Allele origin: germline. Affected: yes. Observed: 2 variant alleles.
Comment: SLC10A7: BP4, BS2

Labcorp Genetics (formerly Invitae), Labcorp
Classification: Likely benign. Last evaluated: 2025-07-06. Review status: criteria provided, single submitter. Criteria: Invitae Variant Classification Sherloc (09022015). Collection method: clinical testing. Allele origin: germline.